The following is an entry in ClinVar:

NM_002303.6(LEPR):c.3458A>G (p.His1153Arg)

Gene: LEPR (leptin receptor; plus strand). Cytogenetic location: 1p31.3.
Variant type: single nucleotide variant.
Coding change: c.3458A>G on transcript NM_002303.6 (MANE Select); coding-DNA position 3458, A replaced by G.
Protein change: p.His1153Arg; replaces histidine 1153 with arginine.
Molecular consequence: missense variant.
Genome position (GRCh38, 1-based): chr1:65,636,975, A>G. VCF-style: chr1-65636975-A-G. GRCh37 (hg19) VCF-style: chr1-66102658-A-G.
Other names: short protein forms H1153R.
Identifiers: ClinVar variation 4994002 (VCV004994002.1).
Genomic context (GRCh38, chr1:65,636,975, plus strand): 5'-CTAGTAAGAAGACTTTTGCATCTTACATGCCTCAATTCCAAACTTGTTCTACTCAGACTC[A>G]TAAGATCATGGAAAACAAGATGTGTGACCTAACTGTGTAATTTCACTGAAGAAACCTTCA-3'
Protein context (NP_002294.2, residues 1143-1163): PQFQTCSTQT[His1153Arg]KIMENKMCDL

ClinVar aggregate classification (germline): Uncertain significance (1 of 4 stars; one submission).

Conditions:
LEPR-related disorder. Also called: LEPR-related disorders; LEPR-related condition.

gnomAD v4.1: 2 of 1,613,534 alleles (0.00012%); highest among the groups gnomAD compares: East Asian, 0.0022%; no homozygotes.

Submission:

PreventionGenetics, part of Exact Sciences
Classification: Uncertain significance for LEPR-related condition. Last evaluated: 2026-04-07. Review status: criteria provided, single submitter. Criteria: ACMG Guidelines, 2015. Collection method: clinical testing. Allele origin: germline.
Comment: The LEPR c.3458A>G variant is predicted to result in the amino acid substitution p.His1153Arg. To our knowledge, this variant has not been reported in the literature. This variant is reported in 0.0054% of alleles in individuals of East Asian descent in gnomAD. At this time, the clinical significance of this variant is uncertain due to the absence of conclusive functional and genetic evidence.